The following is an entry in ClinVar:

NM_144596.4(TTC8):c.1542G>A (p.Met514Ile)

Gene: TTC8 (tetratricopeptide repeat domain 8; plus strand). Cytogenetic location: 14q31.3.
Variant type: single nucleotide variant.
Coding change: c.1542G>A on transcript NM_144596.4 (MANE Select); coding-DNA position 1542, G replaced by A.
Protein change: p.Met514Ile; replaces methionine 514 with isoleucine.
Molecular consequence: missense variant. On other transcripts: non-coding transcript variant (1).
Genome position (GRCh38, 1-based): chr14:88,877,404, G>A. VCF-style: chr14-88877404-G-A. GRCh37 (hg19) VCF-style: chr14-89343748-G-A.
Other names: c.1590G>A, p.Met530Ile (NM_001288781.1); c.948G>A, p.Met316Ile (NM_001288782.1); c.825G>A, p.Met275Ile (NM_001288783.1); c.1428G>A, p.Met476Ile (NM_001366535.2); c.1338G>A, p.Met446Ile (NM_001366536.2); c.1512G>A, p.Met504Ile (NM_198309.3); c.1422G>A, p.Met474Ile (NM_198310.3); c.1512G>A (NM_198309.2); short protein forms M476I, M504I, M446I, M316I, M474I, M530I, M275I, M514I.
Identifiers: ClinVar variation 1365336 (VCV001365336.7), dbSNP rs571571526, ClinGen allele CA7302792.
Genomic context (GRCh38, chr14:88,877,404, plus strand): 5'-ATTTCCAGACCATGTGGACACACAACATTTAATTAAACAATTAAGGCAGCATTTTGCTAT[G>A]CTCTGATTGTTCCTTAGACCACATATGTTCTTATGAAGCAGCATTATGCAAGGGGAAAAA-3'
Protein context (NP_653197.2, residues 504-515): LIKQLRQHFA[Met514Ile]L

ClinVar aggregate classification (germline): Uncertain significance. Review status: criteria provided, multiple submitters, no conflicts (2 of 4 stars). 2 submissions from 2 submitters: Uncertain significance (2). Last evaluated 2025-08-25.

Conditions:
Bardet-Biedl syndrome (BBS). Identifiers: Orphanet 110, MedGen C0752166, MONDO:0015229.
Inborn genetic diseases. Identifiers: MedGen C0950123, MeSH D030342.

Allele frequency attached by ClinVar (database versions not stated): TOPMed 0.00002; gnomAD 0.00003; gnomAD exomes 0.00004; ExAC 0.00008; 1000 Genomes Project 30x 0.00016; 1000 Genomes Project 0.00020.
gnomAD v4.1: 39 of 1,612,650 alleles (0.0024%); highest among the groups gnomAD compares: Non-Finnish European, 0.0031%; no homozygotes.

Submissions (2):

Ambry Genetics
Classification: Uncertain significance for Inborn genetic diseases. Last evaluated: 2025-08-25. Review status: criteria provided, single submitter. Criteria: Ambry Variant Classification Scheme 2023. Collection method: clinical testing. Allele origin: germline.

Labcorp Genetics (formerly Invitae), Labcorp
Classification: Uncertain significance for Bardet-Biedl syndrome. Last evaluated: 2022-03-02. Review status: criteria provided, single submitter. Criteria: Invitae Variant Classification Sherloc (09022015). Collection method: clinical testing. Allele origin: germline.
Comment: In summary, the available evidence is currently insufficient to determine the role of this variant in disease. Therefore, it has been classified as a Variant of Uncertain Significance. Algorithms developed to predict the effect of missense changes on protein structure and function (SIFT, PolyPhen-2, Align-GVGD) all suggest that this variant is likely to be tolerated. This variant has not been reported in the literature in individuals affected with TTC8-related conditions. This variant is present in population databases (rs571571526, gnomAD 0.009%). This sequence change replaces methionine, which is neutral and non-polar, with isoleucine, which is neutral and non-polar, at codon 504 of the TTC8 protein (p.Met504Ile).